The following is an entry in ClinVar:

ClinVar aggregate classification (germline): Uncertain significance (1 of 4 stars; one submission).

Conditions:
Autosomal recessive limb-girdle muscular dystrophy type 2E (LGMDR4). Also called: MUSCULAR DYSTROPHY, LIMB-GIRDLE, AUTOSOMAL RECESSIVE 4. Identifiers: Orphanet 119, MedGen C1858593, MONDO:0011423, OMIM 604286. Disease mechanism: Affects gamma-sarcoglycan and also disrupts the integrity of the entire sarcoglycan complex..

Allele frequency attached by ClinVar (database versions not stated): gnomAD exomes below 0.00001.
gnomAD v4.1: 1 of 1,614,226 alleles (0.000062%); highest among the groups gnomAD compares: Non-Finnish European, 0.000085%; no homozygotes.

Submission:

Labcorp Genetics (formerly Invitae), Labcorp
Classification: Uncertain significance for Autosomal recessive limb-girdle muscular dystrophy type 2E. Last evaluated: 2022-11-17. Review status: criteria provided, single submitter. Criteria: Invitae Variant Classification Sherloc (09022015). Collection method: clinical testing. Allele origin: germline.
Comment: This sequence change replaces glutamine, which is neutral and polar, with arginine, which is basic and polar, at codon 303 of the SGCB protein (p.Gln303Arg). This variant is not present in population databases (gnomAD no frequency). This variant has not been reported in the literature in individuals affected with SGCB-related conditions. Algorithms developed to predict the effect of missense changes on protein structure and function (SIFT, PolyPhen-2, Align-GVGD) all suggest that this variant is likely to be tolerated. In summary, the available evidence is currently insufficient to determine the role of this variant in disease. Therefore, it has been classified as a Variant of Uncertain Significance.

NM_000232.5(SGCB):c.908A>G (p.Gln303Arg)

Gene: SGCB (sarcoglycan beta; minus strand). Cytogenetic location: 4q12.
Variant type: single nucleotide variant.
Coding change: c.908A>G on transcript NM_000232.5 (MANE Select); coding-DNA position 908, A replaced by G.
Protein change: p.Gln303Arg; replaces glutamine 303 with arginine.
Molecular consequence: missense variant.
Genome position (GRCh38, 1-based): chr4:52,024,006, T>C on the plus strand (A>G on the coding strand, the complement: SGCB is on the minus strand). VCF-style: chr4-52024006-T-C. GRCh37 (hg19) VCF-style: chr4-52890172-T-C.
Other names: short protein forms Q303R.
Identifiers: ClinVar variation 2814883 (VCV002814883.3), dbSNP rs2475212269, ClinGen allele CA356875005.